The following is an entry in ClinVar:

ClinVar aggregate classification (germline): Uncertain significance. Review status: criteria provided, multiple submitters, no conflicts (2 of 4 stars). 2 submissions from 2 submitters: Uncertain significance (2). Last evaluated 2023-12-29.

Conditions:
Hereditary cancer-predisposing syndrome. Also called: Hereditary Cancer Syndrome; Hereditary neoplastic syndrome; Neoplastic Syndromes, Hereditary; Tumor predisposition. Identifiers: Orphanet 140162, MedGen C0027672, MeSH D009386, MONDO:0015356.

Submissions (2):

Ambry Genetics
Classification: Uncertain significance for Hereditary cancer-predisposing syndrome. Last evaluated: 2023-12-29. Review status: criteria provided, single submitter. Criteria: Ambry Variant Classification Scheme 2023. Collection method: clinical testing. Allele origin: germline.
Comment: The p.K436Q variant (also known as c.1306A>C), located in coding exon 9 of the RAD50 gene, results from an A to C substitution at nucleotide position 1306. The lysine at codon 436 is replaced by glutamine, an amino acid with similar properties. This amino acid position is highly conserved in available vertebrate species. In addition, this alteration is predicted to be tolerated by in silico analysis. Since supporting evidence is limited at this time, the clinical significance of this alteration remains unclear.

Labcorp Genetics (formerly Invitae), Labcorp
Classification: Uncertain significance for Hereditary cancer-predisposing syndrome. Last evaluated: 2023-08-17. Review status: criteria provided, single submitter. Criteria: Invitae Variant Classification Sherloc (09022015). Collection method: clinical testing. Allele origin: germline.
Comment: This sequence change replaces lysine, which is basic and polar, with glutamine, which is neutral and polar, at codon 436 of the RAD50 protein (p.Lys436Gln). This variant is not present in population databases (gnomAD no frequency). In summary, the available evidence is currently insufficient to determine the role of this variant in disease. Therefore, it has been classified as a Variant of Uncertain Significance. Advanced modeling of protein sequence and biophysical properties (such as structural, functional, and spatial information, amino acid conservation, physicochemical variation, residue mobility, and thermodynamic stability) performed at Invitae indicates that this missense variant is not expected to disrupt RAD50 protein function. ClinVar contains an entry for this variant (Variation ID: 1769518). This variant has not been reported in the literature in individuals affected with RAD50-related conditions.

NM_005732.4(RAD50):c.1306A>C (p.Lys436Gln)

Gene: RAD50 (RAD50 double strand break repair protein; plus strand). Cytogenetic location: 5q31.1.
Variant type: single nucleotide variant.
Coding change: c.1306A>C on transcript NM_005732.4 (MANE Select); coding-DNA position 1306, A replaced by C.
Protein change: p.Lys436Gln; replaces lysine 436 with glutamine.
Molecular consequence: missense variant.
Genome position (GRCh38, 1-based): chr5:132,589,691, A>C. VCF-style: chr5-132589691-A-C. GRCh37 (hg19) VCF-style: chr5-131925383-A-C.
Other names: short protein forms K436Q.
Identifiers: ClinVar variation 1769518 (VCV001769518.5), dbSNP rs2479636962, ClinGen allele CA360943752.
Genomic context (GRCh38, chr5:132,589,691, plus strand): 5'-AATGACTTTGCAGAAAAAGAGACTCTGAAACAAAAACAGATAGATGAGATAAGAGATAAG[A>C]AAACTGGACTGGGAAGAATAATTGAGTTAAAATCAGAAATCCTAAGTAAGAAGCAGAATG-3'
Protein context (NP_005723.2, residues 426-446): QKQIDEIRDK[Lys436Gln]TGLGRIIELK